The following is an entry in ClinVar:

NM_002691.4(POLD1):c.181G>A (p.Val61Ile)

Gene: POLD1 (DNA polymerase delta 1, catalytic subunit; plus strand). Cytogenetic location: 19q13.33.
Variant type: single nucleotide variant.
Coding change: c.181G>A on transcript NM_002691.4 (MANE Select); coding-DNA position 181, G replaced by A.
Protein change: p.Val61Ile; replaces valine 61 with isoleucine.
Molecular consequence: missense variant. On other transcripts: non-coding transcript variant (1).
Genome position (GRCh38, 1-based): chr19:50,399,032, G>A. VCF-style: chr19-50399032-G-A. GRCh37 (hg19) VCF-style: chr19-50902289-G-A.
Other names: c.181G>A, p.Val61Ile (NM_001256849.1, NM_001308632.1); short protein forms V61I.
Identifiers: ClinVar variation 2022815 (VCV002022815.4), dbSNP rs2513933644, ClinGen allele CA406970324.

ClinVar aggregate classification (germline): Uncertain significance (1 of 4 stars; one submission).

Conditions:
POLD1-related polyposis and colorectal cancer syndrome (CRCS10). Also called: Colorectal cancer 10; COLORECTAL CANCER, SUSCEPTIBILITY TO, ON CHROMOSOME 19q; Colorectal cancer, susceptibility to, 10. Identifiers: Orphanet 220460, MedGen C2675481, MONDO:0012953, OMIM 612591.

Submission:

Labcorp Genetics (formerly Invitae), Labcorp
Classification: Uncertain significance for POLD1-related polyposis and colorectal cancer syndrome. Last evaluated: 2021-12-02. Review status: criteria provided, single submitter. Criteria: Invitae Variant Classification Sherloc (09022015). Collection method: clinical testing. Allele origin: germline.
Comment: In summary, the available evidence is currently insufficient to determine the role of this variant in disease. Therefore, it has been classified as a Variant of Uncertain Significance. Algorithms developed to predict the effect of missense changes on protein structure and function (SIFT, PolyPhen-2, Align-GVGD) all suggest that this variant is likely to be tolerated. This variant has not been reported in the literature in individuals affected with POLD1-related conditions. This variant is not present in population databases (gnomAD no frequency). This sequence change replaces valine, which is neutral and non-polar, with isoleucine, which is neutral and non-polar, at codon 61 of the POLD1 protein (p.Val61Ile).